The following is an entry in ClinVar:

ClinVar aggregate classification (germline): Likely benign (1 of 4 stars; one submission).

gnomAD v4.1: 18 of 1,613,282 alleles (0.0011%); highest among the groups gnomAD compares: Non-Finnish European, 0.0014%; no homozygotes.

Submission:

CeGaT Center for Human Genetics Tuebingen
Classification: Likely benign. Last evaluated: 2026-02-01. Review status: criteria provided, single submitter. Criteria: CeGaT Center For Human Genetics Tuebingen Variant Classification Criteria Version 2. Collection method: clinical testing. Allele origin: germline. Affected: yes. Observed: 2 variant alleles.
Comment: TRMT1: BP4, BP7

NM_001136035.4(TRMT1):c.1908C>T (p.Ala636=)

Gene: TRMT1 (tRNA methyltransferase 1; minus strand). Cytogenetic location: 19p13.13.
Variant type: single nucleotide variant.
Coding change: c.1908C>T on transcript NM_001136035.4 (MANE Select); coding-DNA position 1908, C replaced by T.
Protein change: p.Ala636=; no amino-acid change (alanine 636 retained).
Molecular consequence: synonymous variant.
Genome position (GRCh38, 1-based): chr19:13,105,007, G>A on the plus strand (C>T on the coding strand, the complement: TRMT1 is on the minus strand). VCF-style: chr19-13105007-G-A. GRCh37 (hg19) VCF-style: chr19-13215821-G-A.
Other names: c.1821C>T, p.Ala607= (NM_001142554.3, NM_001351760.2); c.1800C>T, p.Ala600= (NM_001351761.2); c.1125C>T, p.Ala375= (NM_001351762.2); c.1908C>T, p.Ala636= (NM_017722.5).
Identifiers: ClinVar variation 4084160 (VCV004084160.8).
Genomic context (GRCh38, chr19:13,105,007, plus strand): 5'-TGGCCCAGCGGCAGCCCCAGGTCCAGGGGGGGTCTGGTTGGAGGTCTCTGGACAGTCAGG[G>A]GCAGCATCAGCAGAAACCCTGGGTGTCGGGGGGCTGTGGGAGTAGCAGCACTGGTCCCCG-3'
Protein context (NP_001129507.1, residues 626-646): PPTPRVSADA[Ala636=]PDCPETSNQT